The following is an entry in ClinVar:

NM_001377304.1(GFI1B):c.95C>G (p.Thr32Ser)

Gene: GFI1B (growth factor independent 1B transcriptional repressor; plus strand). Cytogenetic location: 9q34.13.
Variant type: single nucleotide variant.
Coding change: c.95C>G on transcript NM_001377304.1 (MANE Select); coding-DNA position 95, C replaced by G.
Protein change: p.Thr32Ser; replaces threonine 32 with serine.
Molecular consequence: missense variant.
Genome position (GRCh38, 1-based): chr9:132,986,773, C>G. VCF-style: chr9-132986773-C-G. GRCh37 (hg19) VCF-style: chr9-135862160-C-G.
Other names: c.95C>G, p.Thr32Ser (NM_001135031.2, NM_001371908.1, NM_001377305.1 and 1 more transcripts); short protein forms T32S.
Identifiers: ClinVar variation 4689680 (VCV004689680.2).
Genomic context (GRCh38, chr9:132,986,773, plus strand): 5'-CTCACACCTACCACCAGCCCCGTGTGCAGGAAGATGAACCGCTCTGGCCTCCTGCCCTTA[C>G]CCCGGGTGAGTCAGAGCCCGGGCTGGCGCCTGCTGCACCCACGGGGGGCTCTCTGCTCTG-3'
Protein context (NP_001364233.1, residues 22-42): EDEPLWPPAL[Thr32Ser]PVPRDQAPSN

ClinVar aggregate classification (germline): Conflicting classifications of pathogenicity. Review status: criteria provided, conflicting classifications (1 of 4 stars). 2 submissions from 2 submitters: Uncertain significance (1); Likely benign (1). Last evaluated 2026-01-02.

gnomAD v4.1: 2 of 1,606,092 alleles (0.00012%); highest among the groups gnomAD compares: Non-Finnish European, 0.000085%; no homozygotes.

Submissions (2):

Women's Health and Genetics/Laboratory Corporation of America, LabCorp
Classification: Uncertain significance. Last evaluated: 2026-01-02. Review status: criteria provided, single submitter. Criteria: LabCorp Variant Classification Summary - May 2015. Collection method: clinical testing. Allele origin: germline.
Comment: Variant summary: GFI1B c.95C>G (p.Thr32Ser) results in a conservative amino acid change in the encoded protein sequence. Algorithms developed to predict the effect of missense changes on protein structure and function all suggest that this variant is likely to be tolerated. The variant allele was found at a frequency of 4.1e-06 in 241322 control chromosomes. The available data on variant occurrences in the general population are insufficient to allow any conclusion about variant significance. To our knowledge, no occurrence of c.95C>G in individuals affected with GFI1B-related conditions and no experimental evidence demonstrating its impact on protein function have been reported. No submitters have cited clinical-significance assessments for this variant to ClinVar. Based on the evidence outlined above, the variant was classified as uncertain significance.

Blueprint Genetics
Classification: Likely benign. Last evaluated: 2024-11-27. Review status: criteria provided, single submitter. Criteria: ACMG Guidelines, 2015. Collection method: clinical testing. Allele origin: germline.